The following is an entry in ClinVar:

ClinVar aggregate classification (germline): Uncertain significance (1 of 4 stars; one submission).

Submission:

Labcorp Genetics (formerly Invitae), Labcorp
Classification: Uncertain significance. Last evaluated: 2022-07-15. Review status: criteria provided, single submitter. Criteria: Invitae Variant Classification Sherloc (09022015). Collection method: clinical testing. Allele origin: germline.
Comment: In summary, the available evidence is currently insufficient to determine the role of this variant in disease. Therefore, it has been classified as a Variant of Uncertain Significance. This sequence change falls in intron 1 of the MRPS14 gene. It does not directly change the encoded amino acid sequence of the MRPS14 protein. It affects a nucleotide within the consensus splice site. This variant is not present in population databases (gnomAD no frequency). This variant has not been reported in the literature in individuals affected with MRPS14-related conditions. Variants that disrupt the consensus splice site are a relatively common cause of aberrant splicing (PMID: 17576681, 9536098). Algorithms developed to predict the effect of sequence changes on RNA splicing suggest that this variant may disrupt the consensus splice site.

Literature cited by the submitters: PubMed 17576681; PubMed 9536098.

NM_022100.3(MRPS14):c.45+4A>G

Genes: MRPS14 (mitochondrial ribosomal protein S14; minus strand), LOC129931958 (ATAC-STARR-seq lymphoblastoid active region 2128; plus strand). Cytogenetic location: 1q25.1.
Variant type: single nucleotide variant.
Coding change: c.45+4A>G on transcript NM_022100.3 (MANE Select); 4 bases into the intron after coding-DNA position 45, A replaced by G.
Molecular consequence: intron variant. On other transcripts: non-coding transcript variant (1).
Genome position (GRCh38, 1-based): chr1:175,023,360, T>C on the plus strand (A>G on the coding strand, the complement: MRPS14 is on the minus strand). VCF-style: chr1-175023360-T-C. GRCh37 (hg19) VCF-style: chr1-174992496-T-C.
Identifiers: ClinVar variation 2017535 (VCV002017535.4), dbSNP rs2528827526, ClinGen allele CA2580061390.
Genomic context (GRCh38, chr1:175,023,360, plus strand): 5'-GGACCCGTGGGTTATGAGATTCAGCGGTGAGGGGTAGCGGTGTGGATAAAAGTAGAGGCC[T>C]GACCTGCTTGAACGTCCGCAGCAGCGAGCCCAGCATGAAGGCCGCCATGTTGTCCGCTAC-3'